The following is an entry in ClinVar:

ClinVar aggregate classification (germline): Uncertain significance (1 of 4 stars; one submission).

Conditions:
Neuroblastoma, susceptibility to, 3. Also called: ALK-Related Neuroblastic Tumor Susceptibility. Identifiers: Orphanet 635, MedGen C2751681, MONDO:0013083, OMIM 613014.

Submission:

Labcorp Genetics (formerly Invitae), Labcorp
Classification: Uncertain significance for Neuroblastoma, susceptibility to, 3. Last evaluated: 2022-01-18. Review status: criteria provided, single submitter. Criteria: Invitae Variant Classification Sherloc (09022015). Collection method: clinical testing. Allele origin: germline.
Comment: This sequence change creates a premature translational stop signal (p.Cys995Metfs*6) in the ALK gene. It is expected to result in an absent or disrupted protein product. However, the current clinical and genetic evidence is not sufficient to establish whether loss-of-function variants in ALK cause disease. This variant is not present in population databases (gnomAD no frequency). This variant has not been reported in the literature in individuals affected with ALK-related conditions. In summary, the available evidence is currently insufficient to determine the role of this variant in disease. Therefore, it has been classified as a Variant of Uncertain Significance.

NM_004304.5(ALK):c.2982dup (p.Cys995fs)

Gene: ALK (ALK receptor tyrosine kinase; minus strand). Cytogenetic location: 2p23.2.
Variant type: Duplication.
Coding change: c.2982dup on transcript NM_004304.5 (MANE Select); coding-DNA position 2982, one base duplicated (A; older notation c.2982dupA).
Protein change: p.Cys995fs; shifts the reading frame from cysteine 995.
Molecular consequence: frameshift variant.
Genome position (GRCh38, 1-based): chr2:29,227,007, T duplicated on the plus strand (A on the coding strand, the reverse complement: ALK is on the minus strand); the first of 2 consecutive T bases (chr2:29,227,007-29,227,008); duplicating either gives the same sequence. VCF-style (leftmost placement, unchanged base first): chr2-29227006-A-AT. GRCh37 (hg19) VCF-style: chr2-29449872-A-AT.
Other names: short protein forms C995fs.
Identifiers: ClinVar variation 2201609 (VCV002201609.4), dbSNP rs1336795860, ClinGen allele CA767493735.